The following is an entry in ClinVar:

ClinVar aggregate classification (germline): Uncertain significance (1 of 4 stars; one submission).

Conditions:
Autosomal dominant nonsyndromic hearing loss 44. Identifiers: Orphanet 90635, MedGen C1843895, MONDO:0011832, OMIM 607453.

Submission:

Victorian Clinical Genetics Services, Murdoch Childrens Research Institute
Classification: Uncertain significance for Autosomal dominant nonsyndromic hearing loss 44. Last evaluated: 2019-08-28. Review status: criteria provided, single submitter. Criteria: ACMG Guidelines, 2015. Collection method: clinical testing. Allele origin: germline. Inheritance: Autosomal dominant inheritance. Affected: yes.
Comment: A heterozygous missense variant was identified, NM_178335.2(CCDC50):c.372G>C in exon 5 of 12 of the CCDC50 gene. This substitution is predicted to create a minor amino acid change from glutamic acid to aspartic acid at position 124 of the protein, NP_848018.1(CCDC50):p.(Glu124Asp). The glutamic acid at this position has moderate conservation (100 vertebrates, UCSC). It is located within a coiled-coil motif. In silico software predictions of the pathogenicity of this variant are conflicting (Polyphen, SIFT, CADD, Mutation Taster). The variant is not present in the gnomAD population database, and has not been previously reported in clinical cases. Based on information available at the time of curation, this variant has been classified as a VARIANT of UNCERTAIN SIGNIFICANCE (VUS) with LOW CLINICAL RELEVANCE.

NM_178335.3(CCDC50):c.372G>C (p.Glu124Asp)

Gene: CCDC50 (coiled-coil domain containing 50; plus strand). Cytogenetic location: 3q28.
Variant type: single nucleotide variant.
Coding change: c.372G>C on transcript NM_178335.3 (MANE Select); coding-DNA position 372, G replaced by C.
Protein change: p.Glu124Asp; replaces glutamic acid 124 with aspartic acid.
Molecular consequence: missense variant.
Genome position (GRCh38, 1-based): chr3:191,369,960, G>C. VCF-style: chr3-191369960-G-C. GRCh37 (hg19) VCF-style: chr3-191087749-G-C.
Other names: c.372G>C, p.Glu124Asp (NM_174908.4); short protein forms E124D.
Identifiers: ClinVar variation 1805828 (VCV001805828.1), dbSNP rs2474045888, ClinGen allele CA355762892.